The following is an entry in ClinVar:

ClinVar aggregate classification (germline): Uncertain significance (1 of 4 stars; one submission).

Conditions:
Glycogen storage disease, type IV (GSD4). Also called: Glycogen storage disease due to glycogen branching enzyme deficiency; CIRRHOSIS, FAMILIAL, WITH DEPOSITION OF ABNORMAL GLYCOGEN; GBE1 DEFICIENCY; GLYCOGEN BRANCHING ENZYME DEFICIENCY; GLYCOGENOSIS IV; GSD IV. Identifiers: Orphanet 367, MedGen C0017923, MONDO:0009292, OMIM 232500.
Glycogen storage disease IV, classic hepatic. Also called: GSD IV, CLASSIC HEPATIC. Identifiers: MedGen C1856301.

gnomAD v4.1: 5 of 1,569,070 alleles (0.00032%); highest among the groups gnomAD compares: African/African-American, 0.0055%; no homozygotes.

Submission:

Labcorp Genetics (formerly Invitae), Labcorp
Classification: Uncertain significance for Glycogen storage disease, type IV; Glycogen storage disease IV, classic hepatic. Last evaluated: 2024-10-15. Review status: criteria provided, single submitter. Criteria: Invitae Variant Classification Sherloc (09022015). Collection method: clinical testing. Allele origin: germline.
Comment: This sequence change replaces asparagine, which is neutral and polar, with aspartic acid, which is acidic and polar, at codon 556 of the GBE1 protein (p.Asn556Asp). This variant is not present in population databases (gnomAD no frequency). This variant has not been reported in the literature in individuals affected with GBE1-related conditions. ClinVar contains an entry for this variant (Variation ID: 2177774). Invitae Evidence Modeling of protein sequence and biophysical properties (such as structural, functional, and spatial information, amino acid conservation, physicochemical variation, residue mobility, and thermodynamic stability) has been performed for this missense variant. However, the output from this modeling did not meet the statistical confidence thresholds required to predict the impact of this variant on GBE1 protein function. In summary, the available evidence is currently insufficient to determine the role of this variant in disease. Therefore, it has been classified as a Variant of Uncertain Significance.

NM_000158.4(GBE1):c.1666A>G (p.Asn556Asp)

Gene: GBE1 (1,4-alpha-glucan branching enzyme 1; minus strand). Cytogenetic location: 3p12.2.
Variant type: single nucleotide variant.
Coding change: c.1666A>G on transcript NM_000158.4 (MANE Select); coding-DNA position 1666, A replaced by G.
Protein change: p.Asn556Asp; replaces asparagine 556 with aspartic acid.
Molecular consequence: missense variant.
Genome position (GRCh38, 1-based): chr3:81,537,048, T>C on the plus strand (A>G on the coding strand, the complement: GBE1 is on the minus strand). VCF-style: chr3-81537048-T-C. GRCh37 (hg19) VCF-style: chr3-81586199-T-C.
Other names: short protein forms N556D.
Identifiers: ClinVar variation 2177774 (VCV002177774.4), dbSNP rs937683680, ClinGen allele CA78280350.